The following is an entry in ClinVar:

NM_000207.3(INS):c.268G>T (p.Gly90Cys)

Genes: INS (insulin; minus strand), INS-IGF2 (INS-IGF2 readthrough; minus strand). Cytogenetic location: 11p15.5.
Variant type: single nucleotide variant.
Coding change: c.268G>T on transcript NM_000207.3 (MANE Select); coding-DNA position 268, G replaced by T.
Protein change: p.Gly90Cys; replaces glycine 90 with cysteine.
Molecular consequence: missense variant. On other transcripts: intron variant (1).
Genome position (GRCh38, 1-based): chr11:2,159,917, C>A on the plus strand (G>T on the coding strand, the complement: INS is on the minus strand). VCF-style: chr11-2159917-C-A. GRCh37 (hg19) VCF-style: chr11-2181147-C-A.
Other names: c.268G>T, p.Gly90Cys (NM_001185097.2, NM_001185098.2, NM_001291897.2); c.187+868G>T (NM_001042376.3); short protein forms G90C.
Identifiers: ClinVar variation 21118 (VCV000021118.4), dbSNP rs80356670, ClinGen allele CA341645.

ClinVar aggregate classification (germline): Uncertain significance. Review status: criteria provided, single submitter (1 of 4 stars). 3 submissions from 3 submitters: Uncertain significance (1). 2 of the submissions do not count toward it.

Conditions:
Diabetes mellitus, permanent neonatal 4. Also called: INS-Related Permanent Neonatal Diabetes Mellitus. Identifiers: MedGen C5394307, MONDO:0030089, OMIM 618858.
Permanent neonatal diabetes mellitus (PNDM). Identifiers: Orphanet 99885, MedGen C1833104, MONDO:0100164, MONDO:0011643. Disease mechanism: gain of function.

Submissions (3):

Clinical Genomics, Uppaluri K&H Personalized Medicine Clinic
Classification: Uncertain significance for Diabetes mellitus, permanent neonatal 4. Review status: criteria provided, single submitter. Criteria: K & H Uppaluri Personalized Medicine Clinic Variant Classification & Assertion Criteria_Updated V.1. Collection method: research. Allele origin: unknown. Inheritance: Autosomal dominant inheritance.
Comment: Potent mutations in INS gene can cause early onset diabetes mellitus which is insulin dependent. May have poor response to sulfonylureas, as potent mutations in this gene can cause beta cell destruction. However, more evidence is required to confer the association of this particular variant rs80356670 (G90C) with Permanent neonatal diabetes mellitus(PNDM)

GeneReviews
No classification provided. Condition: Permanent neonatal diabetes mellitus. Review status: no classification provided. Collection method: literature only. Allele origin: unknown. Not counted in ClinVar's aggregate classification.

UniProtKB/Swiss-Prot
No classification provided. Condition: Permanent neonatal diabetes mellitus. Review status: no classification provided. Collection method: not provided. Allele origin: not provided. Not counted in ClinVar's aggregate classification.

Literature cited by the submitters: PubMed 20938745 (cited by Clinical Genomics, Uppaluri K&H Personalized Medicine Clinic); PubMed 18162506 (cited by Clinical Genomics, Uppaluri K&H Personalized Medicine Clinic); PubMed 17047922 (cited by GeneReviews); PubMed 18171712 (cited by GeneReviews); PubMed 20301620 (cited by GeneReviews); NCBI Bookshelf NBK1447 (cited by GeneReviews).